The following is an entry in ClinVar:

NM_001378778.1(MPDZ):c.5780C>G (p.Thr1927Ser)

Gene: MPDZ (multiple PDZ domain crumbs cell polarity complex component; minus strand). Cytogenetic location: 9p23.
Variant type: single nucleotide variant.
Coding change: c.5780C>G on transcript NM_001378778.1 (MANE Select); coding-DNA position 5780, C replaced by G.
Protein change: p.Thr1927Ser; replaces threonine 1927 with serine.
Molecular consequence: missense variant.
Genome position (GRCh38, 1-based): chr9:13,110,685, G>C on the plus strand (C>G on the coding strand, the complement: MPDZ is on the minus strand). VCF-style: chr9-13110685-G-C. GRCh37 (hg19) VCF-style: chr9-13110684-G-C.
Other names: c.5681C>G, p.Thr1894Ser (NM_001261406.2, NM_001375416.1, NM_001375417.1 and 1 more transcripts); c.5594C>G, p.Thr1865Ser (NM_001261407.2, NM_001375419.1); c.5780C>G, p.Thr1927Ser (NM_001330637.2); c.5879C>G, p.Thr1960Ser (NM_001375413.1); c.5570C>G, p.Thr1857Ser (NM_001375420.1, NM_001375421.1, NM_001375422.1 and 2 more transcripts); c.5483C>G, p.Thr1828Ser (NM_001375425.1, NM_001375426.1); c.5372C>G, p.Thr1791Ser (NM_001375427.1); c.5693C>G, p.Thr1898Ser (NM_003829.5); short protein forms T1898S, T1960S, T1828S, T1857S, T1894S, T1791S, T1865S, T1927S.
Identifiers: ClinVar variation 1434112 (VCV001434112.6), dbSNP rs1354826146, ClinGen allele CA372940590.

ClinVar aggregate classification (germline): Uncertain significance (1 of 4 stars; one submission).

Allele frequency attached by ClinVar (database versions not stated): gnomAD exomes below 0.00001; TOPMed 0.00001.
gnomAD v4.1: 6 of 1,613,610 alleles (0.00037%); highest among the groups gnomAD compares: African/African-American, 0.004%; no homozygotes.

Submission:

Labcorp Genetics (formerly Invitae), Labcorp
Classification: Uncertain significance. Last evaluated: 2024-08-05. Review status: criteria provided, single submitter. Criteria: Invitae Variant Classification Sherloc (09022015). Collection method: clinical testing. Allele origin: germline.
Comment: This sequence change replaces threonine, which is neutral and polar, with serine, which is neutral and polar, at codon 1898 of the MPDZ protein (p.Thr1898Ser). This variant is present in population databases (no rsID available, gnomAD 0.007%). This variant has not been reported in the literature in individuals affected with MPDZ-related conditions. ClinVar contains an entry for this variant (Variation ID: 1434112). An algorithm developed to predict the effect of missense changes on protein structure and function outputs the following: PolyPhen-2: "Benign". The serine amino acid residue is found in multiple mammalian species, which suggests that this missense change does not adversely affect protein function. In summary, the available evidence is currently insufficient to determine the role of this variant in disease. Therefore, it has been classified as a Variant of Uncertain Significance.